The following is an entry in ClinVar:

NM_000276.4(OCRL):c.1576C>T (p.Pro526Ser)

Gene: OCRL (OCRL inositol polyphosphate-5-phosphatase; plus strand). Cytogenetic location: Xq26.1.
Variant type: single nucleotide variant.
Coding change: c.1576C>T on transcript NM_000276.4 (MANE Select); coding-DNA position 1576, C replaced by T.
Protein change: p.Pro526Ser; replaces proline 526 with serine.
Molecular consequence: missense variant.
Genome position (GRCh38, 1-based): chrX:129,569,373, C>T. VCF-style: chrX-129569373-C-T. GRCh37 (hg19) VCF-style: chrX-128703350-C-T.
Other names: c.1579C>T, p.Pro527Ser (NM_001318784.2); c.1576C>T, p.Pro526Ser (NM_001587.4); short protein forms P526S, P527S.
Identifiers: ClinVar variation 265391 (VCV000265391.9), dbSNP rs886039518, ClinGen allele CA10588739.
Genomic context (GRCh38, chrX:129,569,373, plus strand): 5'-ACAAATGTTAATCAGCTTAATTATCGGAGTCACATGGAACTGAAAACCAGCGACCACAAG[C>T]CTGTTAGCGCCCTCTTCCATATTGGGGTAAACACTTGTTTGTACATTCATTTATTTGTGT-3'
Protein context (NP_000267.2, residues 516-536): HMELKTSDHK[Pro526Ser]VSALFHIGVK

ClinVar aggregate classification (germline): Pathogenic. Review status: criteria provided, multiple submitters, no conflicts (2 of 4 stars). 2 submissions from 2 submitters: Pathogenic (2). Last evaluated 2021-07-08.

Conditions:
Lowe syndrome (OCRL). Also called: Oculocerebrorenal Syndrome; PHOSPHATIDYLINOSITOL 4,5-BISPHOSPHATE 5-PHOSPHATASE DEFICIENCY; LOWE OCULOCEREBRORENAL SYNDROME. Identifiers: Orphanet 534, MedGen C0028860, MONDO:0010645, OMIM 309000.

Submissions (2):

Labcorp Genetics (formerly Invitae), Labcorp
Classification: Pathogenic for Lowe syndrome. Last evaluated: 2021-07-08. Review status: criteria provided, single submitter. Criteria: Invitae Variant Classification Sherloc (09022015). Collection method: clinical testing. Allele origin: germline.
Comment: This sequence change replaces proline with serine at codon 526 of the OCRL protein (p.Pro526Ser). The proline residue is highly conserved and there is a moderate physicochemical difference between proline and serine. This variant is not present in population databases (ExAC no frequency). For these reasons, this variant has been classified as Pathogenic. This variant disrupts the p.Pro526 amino acid residue in OCRL. Other variant(s) that disrupt this residue have been determined to be pathogenic (PMID: 10767176, Invitae). This suggests that this residue is clinically significant, and that variants that disrupt this residue are likely to be disease-causing. Advanced modeling of protein sequence and biophysical properties (such as structural, functional, and spatial information, amino acid conservation, physicochemical variation, residue mobility, and thermodynamic stability) performed at Invitae indicates that this missense variant is expected to disrupt OCRL protein function. This variant has been observed in individual(s) with Dent disease (PMID: 19902262, Invitae). This variant is also known as p.Pro509Ser). ClinVar contains an entry for this variant (Variation ID: 265391).

GeneDx
Classification: Pathogenic. Last evaluated: 2016-03-17. Review status: criteria provided, single submitter. Criteria: GeneDx Variant Classification (06012015). Collection method: clinical testing. Allele origin: germline. Affected: yes.
Comment: The P526S pathogenic variant in the OCRL gene has been reported previously in association with Dent-2 disease (Kaneko et al., 2010). This variant was not observed in approximately 6500 individuals of European and African American ancestry in the NHLBI Exome Sequencing Project, indicating it is not a common benign variant in these populations. The P526S variant is a non-conservative amino acid substitution, which is likely to impact secondary protein structure as these residues differ in polarity, charge, size and/or other properties. This substitution occurs at a position within the PIP2 5-phosphatase functional domain of the protein that is conserved across species, and in silico analysis predicts this variant is probably damaging to the protein structure/function. Missense variants in the same (P526T, P526L) and nearby residues (S522R, D523Y, H524R, H524Q, V527D) have been reported in the Human Gene Mutation Database in association with Dent-2 disease and Lowe syndrome (Stenson et al., 2014), supporting the functional importance of this region of the protein. We interpret P526S as a pathogenic variant.

Literature cited by the submitters: PubMed 10767176 (cited by Labcorp Genetics (formerly Invitae), Labcorp); PubMed 19902262 (cited by Labcorp Genetics (formerly Invitae), Labcorp).